The following is an entry in ClinVar:

ClinVar aggregate classification (germline): Conflicting classifications of pathogenicity. Review status: criteria provided, conflicting classifications (1 of 4 stars). 7 submissions from 7 submitters: Uncertain significance (1); Benign (1); Likely benign (5). Last evaluated 2026-01-26.

Conditions:
Inborn genetic diseases. Identifiers: MedGen C0950123, MeSH D030342.
Progressive sclerosing poliodystrophy (MTDPS4A). Also called: Mitochondrial DNA depletion syndrome 4A (Alpers type); Mitochondrial DNA Depletion Syndrome 4A; ALPERS PROGRESSIVE INFANTILE POLIODYSTROPHY; Alpers-Huttenlocher Syndrome; Alpers Syndrome; ALPERS DIFFUSE DEGENERATION OF CEREBRAL GRAY MATTER WITH HEPATIC CIRRHOSIS. Identifiers: Orphanet 726, MedGen C0205710, MONDO:0008758, OMIM 203700.

Allele frequency attached by ClinVar (database versions not stated): TOPMed 0.00005; gnomAD 0.00006 and 0.00005; gnomAD exomes 0.00007 and 0.00008; ExAC 0.00002.
gnomAD v4.1: 122 of 1,613,724 alleles (0.0076%); highest among the groups gnomAD compares: Non-Finnish European, 0.0098%; no homozygotes.

Submissions (7):

Labcorp Genetics (formerly Invitae), Labcorp
Classification: Likely benign for Progressive sclerosing poliodystrophy. Last evaluated: 2026-01-26. Review status: criteria provided, single submitter. Criteria: Invitae Variant Classification Sherloc (09022015). Collection method: clinical testing. Allele origin: germline.

Athena Diagnostics
Classification: Likely benign. Last evaluated: 2024-04-03. Review status: criteria provided, single submitter. Criteria: Athena Diagnostics Criteria. Collection method: clinical testing. Allele origin: unknown.

CeGaT Center for Human Genetics Tuebingen
Classification: Likely benign. Last evaluated: 2023-02-01. Review status: criteria provided, single submitter. Criteria: CeGaT Center For Human Genetics Tuebingen Variant Classification Criteria Version 2. Collection method: clinical testing. Allele origin: germline. Affected: yes. Observed: 2 variant alleles.
Comment: POLG: BP4, BP7

Wong Mito Lab, Molecular and Human Genetics, Baylor College of Medicine
Classification: Likely benign for Progressive sclerosing poliodystrophy. Last evaluated: 2018-10-01. Review status: criteria provided, single submitter. Criteria: ACMG Guidelines, 2015. Collection method: clinical testing. Allele origin: germline.
Comment: The NM_002693.2:c.3450C>T (NP_002684.1:p.Ala1150=) [GRCH38: NC_000015.10:g.89318573G>A] variant in POLG gene is interpretated to be a Likely Benign based on ACMG guidelines (PMID: 25741868). This variant meets the following evidence codes reported in the ACMG-guideline. BP4:Computational evidence/predictors indicate no impact on the POLG structure, function, or protein-protein interaction. BP6:Reputable source(s) without shared data suggest the variant is benign. Based on the evidence criteria codes applied, the variant is suggested to be Likely Benign.

Eurofins Ntd Llc (ga)
Classification: Uncertain significance. Last evaluated: 2018-06-29. Review status: criteria provided, single submitter. Criteria: EGL ClinVar v180209 classification definitions. Collection method: clinical testing. Allele origin: germline. Observed: 1 variant allele, 1 heterozygote.

Ambry Genetics
Classification: Likely benign for Inborn genetic diseases. Last evaluated: 2017-01-20. Review status: criteria provided, single submitter. Criteria: Ambry Variant Classification Scheme 2023. Collection method: clinical testing. Allele origin: germline.

GeneDx
Classification: Benign. Last evaluated: 2014-06-24. Review status: criteria provided, single submitter. Criteria: GeneDx Variant Classification (06012015). Collection method: clinical testing. Allele origin: germline. Affected: yes.
Comment: This variant is considered likely benign or benign based on one or more of the following criteria: it is a conservative change, it occurs at a poorly conserved position in the protein, it is predicted to be benign by multiple in silico algorithms, and/or has population frequency not consistent with disease.

NM_002693.3(POLG):c.3450C>T (p.Ala1150=)

Gene: POLG (DNA polymerase gamma, catalytic subunit; minus strand). Cytogenetic location: 15q26.1.
Variant type: single nucleotide variant.
Coding change: c.3450C>T on transcript NM_002693.3 (MANE Select); coding-DNA position 3450, C replaced by T.
Protein change: p.Ala1150=; no amino-acid change (alanine 1150 retained).
Molecular consequence: synonymous variant.
Genome position (GRCh38, 1-based): chr15:89,318,573, G>A on the plus strand (C>T on the coding strand, the complement: POLG is on the minus strand). VCF-style: chr15-89318573-G-A. GRCh37 (hg19) VCF-style: chr15-89861804-G-A.
Other names: p.A1150A:GCC>GCT; c.3450C>T, p.Ala1150= (NM_001126131.2).
Identifiers: ClinVar variation 206477 (VCV000206477.42), dbSNP rs774880085, ClinGen allele CA316608.